The following is an entry in ClinVar:

ClinVar aggregate classification (germline): Uncertain significance. Review status: criteria provided, multiple submitters, no conflicts (2 of 4 stars). 4 submissions from 4 submitters: Uncertain significance (4). Last evaluated 2024-11-26.

Conditions:
Familial thoracic aortic aneurysm and aortic dissection (TAAD). Also called: Thoracic aortic aneurysms and dissections. Identifiers: Orphanet 91387, MedGen C4707243, MONDO:0019625.
Hereditary cancer-predisposing syndrome. Also called: Neoplastic Syndromes, Hereditary; Hereditary neoplastic syndrome; Tumor predisposition; Hereditary Cancer Syndrome. Identifiers: Orphanet 140162, MedGen C0027672, MeSH D009386, MONDO:0015356.
Juvenile polyposis syndrome (JPS). Identifiers: Orphanet 2929, MedGen C0345893, MONDO:0017380, OMIM 174900.
Juvenile polyposis/hereditary hemorrhagic telangiectasia syndrome (JPHT). Also called: POLYPOSIS, GENERALIZED JUVENILE, WITH PULMONARY ARTERIOVENOUS MALFORMATION; TELANGIECTASIA, HEREDITARY HEMORRHAGIC, WITH JUVENILE POLYPOSIS COLI; Juvenile Polyposis Syndrome / Hereditary Hemorrhagic Telangiectasia (JPS/HHT); JP/HHT SYNDROME; JUVENILE POLYPOSIS WITH HEREDITARY HEMORRHAGIC TELANGIECTASIA. Identifiers: Orphanet 2929, MedGen C1832942, MONDO:0008278, OMIM 175050.

Submissions (4):

Ambry Genetics
Classification: Uncertain significance for Hereditary cancer-predisposing syndrome; Familial thoracic aortic aneurysm and aortic dissection. Last evaluated: 2024-11-26. Review status: criteria provided, single submitter. Criteria: Ambry Variant Classification Scheme 2023. Collection method: clinical testing. Allele origin: germline.
Comment: The p.S483G variant (also known as c.1447A>G), located in coding exon 10 of the SMAD4 gene, results from an A to G substitution at nucleotide position 1447. The amino acid change results in serine to glycine at codon 483, an amino acid with similar properties. This change occurs in the last base pair of coding exon 10. This amino acid position is highly conserved in available vertebrate species. In addition, this alteration is predicted to be deleterious by in silico analysis. Based on the available evidence, the clinical significance of this variant remains unclear.

All of Us Research Program, National Institutes of Health
Classification: Uncertain significance for Juvenile polyposis/hereditary hemorrhagic telangiectasia syndrome. Last evaluated: 2023-10-30. Review status: criteria provided, single submitter. Criteria: ACMG Guidelines, 2015. Collection method: clinical testing. Allele origin: germline. Inheritance: Autosomal dominant inheritance. Observed: 1 variant allele, 1 heterozygote.
Comment: To date, this variant has not been reported in association with human disease in the medical literature. This variant is absent from or rare in large population databases, including the Genome Aggregation Database. This variant is not predicted to be deleterious by in silico analysis.

This study involves interpretation of variants in research participants for the purpose of population health screening. Participant phenotype was not available at the time of variant classification. Additional details can be found in publication PMID: 35346344, PMCID: PMC8962531

Labcorp Genetics (formerly Invitae), Labcorp
Classification: Uncertain significance for Juvenile polyposis syndrome. Last evaluated: 2021-09-01. Review status: criteria provided, single submitter. Criteria: Invitae Variant Classification Sherloc (09022015). Collection method: clinical testing. Allele origin: germline.
Comment: This sequence change replaces serine with glycine at codon 483 of the SMAD4 protein (p.Ser483Gly). The serine residue is highly conserved and there is a small physicochemical difference between serine and glycine. This variant is not present in population databases (ExAC no frequency). This variant has not been reported in the literature in individuals affected with SMAD4-related conditions. ClinVar contains an entry for this variant (Variation ID: 923708). Algorithms developed to predict the effect of missense changes on protein structure and function (SIFT, PolyPhen-2, Align-GVGD) all suggest that this variant is likely to be tolerated. Algorithms developed to predict the effect of sequence changes on RNA splicing suggest that this variant may create or strengthen a splice site. In summary, the available evidence is currently insufficient to determine the role of this variant in disease. Therefore, it has been classified as a Variant of Uncertain Significance.

Color Diagnostics, LLC DBA Color Health
Classification: Uncertain significance for Hereditary cancer-predisposing syndrome. Last evaluated: 2019-04-16. Review status: criteria provided, single submitter. Criteria: ACMG Guidelines, 2015. Collection method: clinical testing. Allele origin: germline.

NM_005359.6(SMAD4):c.1447A>G (p.Ser483Gly)

Gene: SMAD4 (SMAD family member 4; plus strand). Cytogenetic location: 18q21.2.
Variant type: single nucleotide variant.
Coding change: c.1447A>G on transcript NM_005359.6 (MANE Select); coding-DNA position 1447, A replaced by G.
Protein change: p.Ser483Gly; replaces serine 483 with glycine.
Molecular consequence: missense variant.
Genome position (GRCh38, 1-based): chr18:51,076,776, A>G. VCF-style: chr18-51076776-A-G. GRCh37 (hg19) VCF-style: chr18-48603146-A-G.
Other names: short protein forms S483G.
Identifiers: ClinVar variation 923708 (VCV000923708.9), dbSNP rs1910483270, ClinGen allele CA402465394.
Genomic context (GRCh38, chr18:51,076,776, plus strand): 5'-GCAGCCGTGGCAGGAAACATCCCTGGCCCAGGATCAGTAGGTGGAATAGCTCCAGCTATC[A>G]GTAAGTATGCTTTTCATTCTTTTTTAAAGGTATAATAGTTGATATTTTTATCTTGATTTA-3'
Protein context (NP_005350.1, residues 473-493): GSVGGIAPAI[Ser483Gly]LSAAAGIGVD